The following is an entry in ClinVar:

ClinVar aggregate classification (germline): Uncertain significance (1 of 4 stars; one submission).

Allele frequency attached by ClinVar (database versions not stated): gnomAD exomes below 0.00001.

Submission:

Labcorp Genetics (formerly Invitae), Labcorp
Classification: Uncertain significance. Last evaluated: 2022-03-14. Review status: criteria provided, single submitter. Criteria: Invitae Variant Classification Sherloc (09022015). Collection method: clinical testing. Allele origin: germline.
Comment: This sequence change replaces proline, which is neutral and non-polar, with serine, which is neutral and polar, at codon 436 of the MCPH1 protein (p.Pro436Ser). This variant is not present in population databases (gnomAD no frequency). This variant has not been reported in the literature in individuals affected with MCPH1-related conditions. Algorithms developed to predict the effect of missense changes on protein structure and function output the following: SIFT: "Not Available"; PolyPhen-2: "Probably Damaging"; Align-GVGD: "Not Available". The serine amino acid residue is found in multiple mammalian species, which suggests that this missense change does not adversely affect protein function. In summary, the available evidence is currently insufficient to determine the role of this variant in disease. Therefore, it has been classified as a Variant of Uncertain Significance.

NM_024596.5(MCPH1):c.1306C>T (p.Pro436Ser)

Gene: MCPH1 (microcephalin 1; plus strand). Cytogenetic location: 8p23.1.
Variant type: single nucleotide variant.
Coding change: c.1306C>T on transcript NM_024596.5 (MANE Select); coding-DNA position 1306, C replaced by T.
Protein change: p.Pro436Ser; replaces proline 436 with serine.
Molecular consequence: missense variant. On other transcripts: non-coding transcript variant (1).
Genome position (GRCh38, 1-based): chr8:6,445,028, C>T. VCF-style: chr8-6445028-C-T. GRCh37 (hg19) VCF-style: chr8-6302549-C-T.
Other names: c.1306C>T, p.Pro436Ser (NM_001172574.2, NM_001322042.2, NM_001363979.1 and 3 more transcripts); c.1162C>T, p.Pro388Ser (NM_001172575.2); c.1300C>T, p.Pro434Ser (NM_001322043.2); c.1204C>T, p.Pro402Ser (NM_001322045.2); short protein forms P402S, P436S, P388S, P434S.
Identifiers: ClinVar variation 1973872 (VCV001973872.2), dbSNP rs2486149620, ClinGen allele CA370221362.